The following is an entry in ClinVar:

ClinVar aggregate classification (germline): Uncertain significance (1 of 4 stars; one submission).

Conditions:
Charcot-Marie-Tooth disease dominant intermediate B (CMTDIB). Also called: Charcot-Marie-Tooth disease dominant intermediate 1; CMT DI1; Charcot-Marie-Tooth disease dominant intermediate I; CHARCOT-MARIE-TOOTH NEUROPATHY, DOMINANT INTERMEDIATE B. Identifiers: Orphanet 100044, Orphanet 228179, MedGen C1847902, MONDO:0011674, OMIM 606482.

Submission:

Labcorp Genetics (formerly Invitae), Labcorp
Classification: Uncertain significance for Charcot-Marie-Tooth disease dominant intermediate B. Last evaluated: 2022-02-03. Review status: criteria provided, single submitter. Criteria: Invitae Variant Classification Sherloc (09022015). Collection method: clinical testing. Allele origin: germline.
Comment: ClinVar contains an entry for this variant (Variation ID: 1001372). This variant has not been reported in the literature in individuals affected with DNM2-related conditions. This variant is not present in population databases (gnomAD no frequency). This sequence change replaces proline, which is neutral and non-polar, with leucine, which is neutral and non-polar, at codon 832 of the DNM2 protein (p.Pro832Leu). In summary, the available evidence is currently insufficient to determine the role of this variant in disease. Therefore, it has been classified as a Variant of Uncertain Significance. Algorithms developed to predict the effect of missense changes on protein structure and function are either unavailable or do not agree on the potential impact of this missense change (SIFT: "Tolerated"; PolyPhen-2: "Not Available"; Align-GVGD: "Class C0").

NM_001005361.3(DNM2):c.2495C>T (p.Pro832Leu)

Gene: DNM2 (dynamin 2; plus strand). Cytogenetic location: 19p13.2.
Variant type: single nucleotide variant.
Coding change: c.2495C>T on transcript NM_001005361.3 (MANE Select); coding-DNA position 2495, C replaced by T.
Protein change: p.Pro832Leu; replaces proline 832 with leucine.
Molecular consequence: missense variant.
Genome position (GRCh38, 1-based): chr19:10,830,330, C>T. VCF-style: chr19-10830330-C-T. GRCh37 (hg19) VCF-style: chr19-10941006-C-T.
Other names: c.2495C>T, p.Pro832Leu (NM_001005360.3, NM_001190716.2); c.2483C>T, p.Pro828Leu (NM_001005362.3, NM_004945.4); short protein forms P828L, P832L.
Identifiers: ClinVar variation 1001372 (VCV001001372.8), dbSNP rs2073294248, ClinGen allele CA404044256.